The following is an entry in ClinVar:

NM_015047.3(EMC1):c.2285T>C (p.Ile762Thr)

Genes: EMC1 (ER membrane protein complex subunit 1; minus strand), EMC1-AS1 (EMC1 antisense RNA 1; plus strand). Cytogenetic location: 1p36.13.
Variant type: single nucleotide variant.
Coding change: c.2285T>C on transcript NM_015047.3 (MANE Select); coding-DNA position 2285, T replaced by C.
Protein change: p.Ile762Thr; replaces isoleucine 762 with threonine.
Molecular consequence: missense variant.
Genome position (GRCh38, 1-based): chr1:19,223,487, A>G on the plus strand (T>C on the coding strand, the complement: EMC1 is on the minus strand). VCF-style: chr1-19223487-A-G. GRCh37 (hg19) VCF-style: chr1-19549981-A-G.
Other names: c.2282T>C, p.Ile761Thr (NM_001271427.2, NM_001271428.2); c.2219T>C, p.Ile740Thr (NM_001271429.2); c.2294T>C, p.Ile765Thr (NM_001375820.1); c.2291T>C, p.Ile764Thr (NM_001375821.1); short protein forms I740T, I761T, I762T, I764T, I765T.
Identifiers: ClinVar variation 3615219 (VCV003615219.2).

ClinVar aggregate classification (germline): Uncertain significance (1 of 4 stars; one submission).

gnomAD v4.1: 2 of 1,614,188 alleles (0.00012%); highest among the groups gnomAD compares: Non-Finnish European, 0.00017%; no homozygotes.

Submission:

Labcorp Genetics (formerly Invitae), Labcorp
Classification: Uncertain significance. Last evaluated: 2025-03-18. Review status: criteria provided, single submitter. Criteria: Invitae Variant Classification Sherloc (09022015). Collection method: clinical testing. Allele origin: germline.
Comment: This sequence change replaces isoleucine, which is neutral and non-polar, with threonine, which is neutral and polar, at codon 762 of the EMC1 protein (p.Ile762Thr). This variant is not present in population databases (gnomAD no frequency). This variant has not been reported in the literature in individuals affected with EMC1-related conditions. Invitae Evidence Modeling of protein sequence and biophysical properties (such as structural, functional, and spatial information, amino acid conservation, physicochemical variation, residue mobility, and thermodynamic stability) indicates that this missense variant is expected to disrupt EMC1 protein function with a positive predictive value of 80%. In summary, the available evidence is currently insufficient to determine the role of this variant in disease. Therefore, it has been classified as a Variant of Uncertain Significance.